The following is an entry in ClinVar:

ClinVar aggregate classification (germline): Uncertain significance (1 of 4 stars; one submission).

Submission:

GeneDx
Classification: Uncertain significance. Last evaluated: 2025-02-11. Review status: criteria provided, single submitter. Criteria: GeneDx Variant Classification Process June 2021. Collection method: clinical testing. Allele origin: germline. Affected: yes.
Comment: Not observed at significant frequency in large population cohorts (gnomAD); In silico analysis supports that this missense variant has a deleterious effect on protein structure/function; Has not been previously published as pathogenic or benign to our knowledge

NM_020719.3(PRR12):c.5709C>A (p.Ser1903Arg)

Gene: PRR12 (proline rich 12; plus strand). Cytogenetic location: 19q13.33.
Variant type: single nucleotide variant.
Coding change: c.5709C>A on transcript NM_020719.3 (MANE Select); coding-DNA position 5709, C replaced by A.
Protein change: p.Ser1903Arg; replaces serine 1903 with arginine.
Molecular consequence: missense variant.
Genome position (GRCh38, 1-based): chr19:49,621,610, C>A. VCF-style: chr19-49621610-C-A. GRCh37 (hg19) VCF-style: chr19-50124867-C-A.
Other names: short protein forms S1903R.
Identifiers: ClinVar variation 4075603 (VCV004075603.1).